The following is an entry in ClinVar:

ClinVar aggregate classification (germline): Uncertain significance. Review status: criteria provided, multiple submitters, no conflicts (2 of 4 stars). 3 submissions from 3 submitters: Uncertain significance (3). Last evaluated 2024-12-02.

Conditions:
Inborn genetic diseases. Identifiers: MedGen C0950123, MeSH D030342.

Allele frequency attached by ClinVar (database versions not stated): TOPMed below 0.00001; gnomAD exomes 0.00001.
gnomAD v4.1: 3 of 1,614,178 alleles (0.00019%); highest among the groups gnomAD compares: East Asian, 0.0067%; no homozygotes.

Submissions (3):

GeneDx
Classification: Uncertain significance. Last evaluated: 2024-12-02. Review status: criteria provided, single submitter. Criteria: GeneDx Variant Classification Process June 2021. Collection method: clinical testing. Allele origin: germline. Affected: yes.
Comment: In silico analysis indicates that this missense variant does not alter protein structure/function; Has not been previously published as pathogenic or benign to our knowledge

Ambry Genetics
Classification: Uncertain significance for Inborn genetic diseases. Last evaluated: 2024-10-25. Review status: criteria provided, single submitter. Criteria: Ambry Variant Classification Scheme 2023. Collection method: clinical testing. Allele origin: germline.

Labcorp Genetics (formerly Invitae), Labcorp
Classification: Uncertain significance. Last evaluated: 2023-10-25. Review status: criteria provided, single submitter. Criteria: Invitae Variant Classification Sherloc (09022015). Collection method: clinical testing. Allele origin: germline.
Comment: This sequence change replaces aspartic acid, which is acidic and polar, with asparagine, which is neutral and polar, at codon 1211 of the MYO6 protein (p.Asp1211Asn). This variant is present in population databases (no rsID available, gnomAD 0.02%). This variant has not been reported in the literature in individuals affected with MYO6-related conditions. Advanced modeling of protein sequence and biophysical properties (such as structural, functional, and spatial information, amino acid conservation, physicochemical variation, residue mobility, and thermodynamic stability) performed at Invitae indicates that this missense variant is not expected to disrupt MYO6 protein function with a negative predictive value of 80%. In summary, the available evidence is currently insufficient to determine the role of this variant in disease. Therefore, it has been classified as a Variant of Uncertain Significance.

NM_004999.4(MYO6):c.3631G>A (p.Asp1211Asn)

Gene: MYO6 (myosin VI; plus strand). Cytogenetic location: 6q14.1.
Variant type: single nucleotide variant.
Coding change: c.3631G>A on transcript NM_004999.4 (MANE Select); coding-DNA position 3631, G replaced by A.
Protein change: p.Asp1211Asn; replaces aspartic acid 1211 with asparagine.
Molecular consequence: missense variant. On other transcripts: non-coding transcript variant (1).
Genome position (GRCh38, 1-based): chr6:75,914,254, G>A. VCF-style: chr6-75914254-G-A. GRCh37 (hg19) VCF-style: chr6-76623971-G-A.
Other names: c.3562G>A, p.Asp1188Asn (NM_001300899.2); c.3535G>A, p.Asp1179Asn (NM_001368136.1); c.3592G>A, p.Asp1198Asn (NM_001368137.1); c.3547G>A, p.Asp1183Asn (NM_001368138.1); c.3658G>A, p.Asp1220Asn (NM_001368865.1); c.3631G>A, p.Asp1211Asn (NM_001368866.1); c.3631G>A (NM_004999.3); short protein forms D1179N, D1183N, D1188N, D1211N, D1220N, D1198N.
Identifiers: ClinVar variation 2752561 (VCV002752561.5), dbSNP rs1476452350, ClinGen allele CA364762372.
Genomic context (GRCh38, chr6:75,914,254, plus strand): 5'-GGCTGGTGGTATGCCCATTTTGATGGACCATGGATTGCCCGGCAAATGGAACTCCATCCT[G>A]ACAAGCCACCCATCCTACTTGTGGCTGGTGTGTATGATTCACATGGAAAACAAATTATAG-3'
Protein context (NP_004990.3, residues 1201-1221): WIARQMELHP[Asp1211Asn]KPPILLVAGK